The following is an entry in ClinVar:

ClinVar aggregate classification (germline): Uncertain significance. Review status: criteria provided, multiple submitters, no conflicts (2 of 4 stars). 3 submissions from 3 submitters: Uncertain significance (3). Last evaluated 2024-07-04.

Conditions:
Myopathy, proximal, and ophthalmoplegia (CMYO6). Also called: INCLUSION BODY MYOPATHY 3, AUTOSOMAL DOMINANT; MYOPATHY WITH CONGENITAL JOINT CONTRACTURES, OPHTHALMOPLEGIA, AND RIMMED VACUOLES; CONGENITAL MYOPATHY 6 WITH OPHTHALMOPLEGIA. Identifiers: Orphanet 363677, Orphanet 79091, MedGen C1854106, MONDO:0011577, OMIM 605637.

Allele frequency attached by ClinVar (database versions not stated): gnomAD exomes below 0.00001 and 0.00001.
gnomAD v4.1: 13 of 1,614,152 alleles (0.00081%); highest among the groups gnomAD compares: Non-Finnish European, 0.0011%; no homozygotes.

Submissions (3):

Revvity Omics, Revvity
Classification: Uncertain significance for Myopathy, proximal, and ophthalmoplegia. Last evaluated: 2024-07-04. Review status: criteria provided, single submitter. Criteria: ACMG Guidelines, 2015. Collection method: clinical testing. Allele origin: germline.

Women's Health and Genetics/Laboratory Corporation of America, LabCorp
Classification: Uncertain significance. Last evaluated: 2023-11-21. Review status: criteria provided, single submitter. Criteria: LabCorp Variant Classification Summary - May 2015. Collection method: clinical testing. Allele origin: germline.
Comment: Variant summary: MYH2 c.4572A>C (p.Glu1524Asp) results in a conservative amino acid change located in the myosin tail domain (IPR002928) of the encoded protein sequence. Four of five in-silico tools predict a benign effect of the variant on protein function. The variant allele was found at a frequency of 4e-06 in 251282 control chromosomes (gnomAD). The available data on variant occurrences in the general population are insufficient to allow any conclusion about variant significance. To our knowledge, no occurrence of c.4572A>C in individuals affected with Myopathy, Proximal, And Ophthalmoplegia and no experimental evidence demonstrating its impact on protein function have been reported. One submitter has cited a clinical-significance assessment for this variant to ClinVar after 2014 and has classified the variant as uncertain significance. Based on the evidence outlined above, the variant was classified as uncertain significance.

Labcorp Genetics (formerly Invitae), Labcorp
Classification: Uncertain significance for Myopathy, proximal, and ophthalmoplegia. Last evaluated: 2021-08-20. Review status: criteria provided, single submitter. Criteria: Invitae Variant Classification Sherloc (09022015). Collection method: clinical testing. Allele origin: germline.
Comment: This sequence change replaces glutamic acid with aspartic acid at codon 1524 of the MYH2 protein (p.Glu1524Asp). The glutamic acid residue is highly conserved and there is a small physicochemical difference between glutamic acid and aspartic acid. This variant is not present in population databases (ExAC no frequency). This variant has not been reported in the literature in individuals affected with MYH2-related conditions. Algorithms developed to predict the effect of missense changes on protein structure and function are either unavailable or do not agree on the potential impact of this missense change (SIFT: "Deleterious"; PolyPhen-2: "Benign"; Align-GVGD: "Class C35"). In summary, the available evidence is currently insufficient to determine the role of this variant in disease. Therefore, it has been classified as a Variant of Uncertain Significance.

NM_017534.6(MYH2):c.4572A>C (p.Glu1524Asp)

Genes: MYH2 (myosin heavy chain 2; minus strand), MYHAS (myosin heavy chain gene cluster antisense RNA; plus strand), LOC126862500 (BRD4-independent group 4 enhancer GRCh37_chr17:10427829-10429028; plus strand). Cytogenetic location: 17p13.1.
Variant type: single nucleotide variant.
Coding change: c.4572A>C on transcript NM_017534.6 (MANE Select); coding-DNA position 4572, A replaced by C.
Protein change: p.Glu1524Asp; replaces glutamic acid 1524 with aspartic acid.
Molecular consequence: missense variant.
Genome position (GRCh38, 1-based): chr17:10,525,314, T>G on the plus strand (A>C on the coding strand, the complement: MYH2 is on the minus strand). VCF-style: chr17-10525314-T-G. GRCh37 (hg19) VCF-style: chr17-10428631-T-G.
Other names: c.4572A>C, p.Glu1524Asp (NM_001100112.2); short protein forms E1524D.
Identifiers: ClinVar variation 1349427 (VCV001349427.7), dbSNP rs1243834294, ClinGen allele CA398125109.
Genomic context (GRCh38, chr17:10,525,314, plus strand): 5'-ACACTTTTCTTGTTCCACTTGTTTCTTTATTTTCTCCAGTTCATGGATACGTTTCCCTCC[T>G]TCTGCAATCTGTTCCGTGAGGTCAGAAATCTCCTCTGTTGTTTGAGTAAAAGACAGGTAG-3'
Protein context (NP_060004.3, residues 1514-1534): EISDLTEQIA[Glu1524Asp]GGKRIHELEK